The following is an entry in ClinVar:

NM_000719.7(CACNA1C):c.5977G>A (p.Gly1993Ser)

Genes: CACNA1C (calcium voltage-gated channel subunit alpha1 C; plus strand), CACNA1C-AS1 (CACNA1C antisense RNA 1; minus strand). Cytogenetic location: 12p13.33.
Variant type: single nucleotide variant.
Coding change: c.5977G>A on transcript NM_000719.7 (MANE Select); coding-DNA position 5977, G replaced by A.
Protein change: p.Gly1993Ser; replaces glycine 1993 with serine.
Molecular consequence: missense variant.
Genome position (GRCh38, 1-based): chr12:2,688,639, G>A. VCF-style: chr12-2688639-G-A. GRCh37 (hg19) VCF-style: chr12-2797805-G-A.
Other names: c.6121G>A, p.Gly2041Ser (NM_001129827.2); c.6100G>A, p.Gly2034Ser (NM_001129829.2); c.6082G>A, p.Gly2028Ser (NM_001129830.3, NM_001167624.3); c.6061G>A, p.Gly2021Ser (NM_001129831.2); c.6037G>A, p.Gly2013Ser (NM_001129832.2); c.6034G>A, p.Gly2012Ser (NM_001129833.2, NM_001129834.2, NM_001129835.2); c.6028G>A, p.Gly2010Ser (NM_001129836.2); c.6001G>A, p.Gly2001Ser (NM_001129837.2, NM_001129838.2); and 6 more; short protein forms G2010S, G2028S, G1999S, G2001S, G2076S, G1990S, G2013S, G2021S.
Identifiers: ClinVar variation 2153664 (VCV002153664.2), dbSNP rs1013974573, ClinGen allele CA231617891.
Genomic context (GRCh38, chr12:2,688,639, plus strand): 5'-CGGCTTGAGGGGGTCGAGTCCAGTGAGAAACTCAACAGCAGCTTCCCATCCATCCACTGC[G>A]GCTCCTGGGCTGAGACCACCCCCGGTGGCGGGGGCAGCAGCGCCGCCCGGAGAGTCCGGC-3'
Protein context (NP_000710.5, residues 1983-2003): LNSSFPSIHC[Gly1993Ser]SWAETTPGGG

ClinVar aggregate classification (germline): Uncertain significance (1 of 4 stars; one submission).

Conditions:
Long QT syndrome (LQTS). Identifiers: MedGen C0023976, MeSH D008133, MONDO:0002442. Disease mechanism: loss of function. Inheritance: Various modes of inheritance.

Allele frequency attached by ClinVar (database versions not stated): gnomAD exomes below 0.00001; TOPMed below 0.00001; gnomAD 0.00001.
gnomAD v4.1: 2 of 1,613,780 alleles (0.00012%); highest among the groups gnomAD compares: African/African-American, 0.0013%; no homozygotes.

Submission:

Labcorp Genetics (formerly Invitae), Labcorp
Classification: Uncertain significance for Long QT syndrome. Last evaluated: 2025-08-25. Review status: criteria provided, single submitter. Criteria: Invitae Variant Classification Sherloc (09022015). Collection method: clinical testing. Allele origin: germline.
Comment: This sequence change replaces glycine, which is neutral and non-polar, with serine, which is neutral and polar, at codon 1993 of the CACNA1C protein (p.Gly1993Ser). This variant is present in population databases (no rsID available, gnomAD 0.007%). This variant has not been reported in the literature in individuals affected with CACNA1C-related conditions. ClinVar contains an entry for this variant (Variation ID: 2153664). Invitae Evidence Modeling of protein sequence and biophysical properties (such as structural, functional, and spatial information, amino acid conservation, physicochemical variation, residue mobility, and thermodynamic stability) indicates that this missense variant is not expected to disrupt CACNA1C protein function with a negative predictive value of 95%. Algorithms developed to predict the effect of sequence changes on RNA splicing suggest that this variant may disrupt the consensus splice site. In summary, the available evidence is currently insufficient to determine the role of this variant in disease. Therefore, it has been classified as a Variant of Uncertain Significance.